The following is an entry in ClinVar:

ClinVar aggregate classification (germline): Uncertain significance. Review status: criteria provided, multiple submitters, no conflicts (2 of 4 stars). 2 submissions from 2 submitters: Uncertain significance (2). Last evaluated 2025-06-10.

Conditions:
Inborn genetic diseases. Identifiers: MedGen C0950123, MeSH D030342.

Allele frequency attached by ClinVar (database versions not stated): gnomAD exomes below 0.00001; TOPMed below 0.00001; ExAC 0.00002.
gnomAD v4.1: 2 of 1,614,144 alleles (0.00012%); highest among the groups gnomAD compares: Non-Finnish European, 0.00017%; no homozygotes.

Submissions (2):

Ambry Genetics
Classification: Uncertain significance for Inborn genetic diseases. Last evaluated: 2025-06-10. Review status: criteria provided, single submitter. Criteria: Ambry Variant Classification Scheme 2023. Collection method: clinical testing. Allele origin: germline.

Labcorp Genetics (formerly Invitae), Labcorp
Classification: Uncertain significance. Last evaluated: 2025-01-23. Review status: criteria provided, single submitter. Criteria: Invitae Variant Classification Sherloc (09022015). Collection method: clinical testing. Allele origin: germline.
Comment: This sequence change replaces glutamic acid, which is acidic and polar, with glycine, which is neutral and non-polar, at codon 847 of the CSF2RB protein (p.Glu847Gly). This variant is present in population databases (rs200382551, gnomAD 0.003%). This variant has not been reported in the literature in individuals affected with CSF2RB-related conditions. ClinVar contains an entry for this variant (Variation ID: 2106044). Invitae Evidence Modeling of protein sequence and biophysical properties (such as structural, functional, and spatial information, amino acid conservation, physicochemical variation, residue mobility, and thermodynamic stability) indicates that this missense variant is expected to disrupt CSF2RB protein function with a positive predictive value of 80%. In summary, the available evidence is currently insufficient to determine the role of this variant in disease. Therefore, it has been classified as a Variant of Uncertain Significance.

NM_000395.3(CSF2RB):c.2540A>G (p.Glu847Gly)

Gene: CSF2RB (colony stimulating factor 2 receptor subunit beta; plus strand). Cytogenetic location: 22q12.3.
Variant type: single nucleotide variant.
Coding change: c.2540A>G on transcript NM_000395.3 (MANE Select); coding-DNA position 2540, A replaced by G.
Protein change: p.Glu847Gly; replaces glutamic acid 847 with glycine.
Molecular consequence: missense variant.
Genome position (GRCh38, 1-based): chr22:36,938,348, A>G. VCF-style: chr22-36938348-A-G. GRCh37 (hg19) VCF-style: chr22-37334390-A-G.
Other names: c.2558A>G, p.Glu853Gly (NM_001410827.1); c.2540A>G (NM_000395.2); short protein forms E847G, E853G.
Identifiers: ClinVar variation 2106044 (VCV002106044.5), dbSNP rs200382551, ClinGen allele CA10214153.